The following is an entry in ClinVar:

NM_006017.3(PROM1):c.1753C>G (p.Leu585Val)

Gene: PROM1 (prominin 1; minus strand). Cytogenetic location: 4p15.32.
Variant type: single nucleotide variant.
Coding change: c.1753C>G on transcript NM_006017.3 (MANE Select); coding-DNA position 1753, C replaced by G.
Protein change: p.Leu585Val; replaces leucine 585 with valine.
Molecular consequence: missense variant.
Genome position (GRCh38, 1-based): chr4:15,994,001, G>C on the plus strand (C>G on the coding strand, the complement: PROM1 is on the minus strand). VCF-style: chr4-15994001-G-C. GRCh37 (hg19) VCF-style: chr4-15995624-G-C.
Other names: c.1726C>G, p.Leu576Val (NM_001145847.2, NM_001145848.2, NM_001145851.2 and 4 more transcripts); c.1753C>G, p.Leu585Val (NM_001145849.2, NM_001145850.2); c.1753C>G (NM_006017.2); short protein forms L576V, L585V.
Identifiers: ClinVar variation 3607719 (VCV003607719.4).
Genomic context (GRCh38, chr4:15,994,001, plus strand): 5'-TGGTGAAGGAATGTGTTATGTCGATTCCATGACGAGTTCTAATTACCTCATTAATGTTGA[G>C]ATGTTCACTGATATTGAAGCTGTTCTGCAGGTGAAGAGTGCCGTAAGTGCCTCTATTTTT-3'
Protein context (NP_006008.1, residues 575-595): LQNSFNISEH[Leu585Val]NINEHTGSIS

ClinVar aggregate classification (germline): Uncertain significance. Review status: criteria provided, multiple submitters, no conflicts (2 of 4 stars). 3 submissions from 3 submitters: Uncertain significance (3). Last evaluated 2025-01-16.

Conditions:
Inborn genetic diseases. Identifiers: MedGen C0950123, MeSH D030342.

gnomAD v4.1: 3 of 1,613,910 alleles (0.00019%); highest among the groups gnomAD compares: Non-Finnish European, 0.00017%; no homozygotes.

Submissions (3):

Ambry Genetics
Classification: Uncertain significance for Inborn genetic diseases. Last evaluated: 2025-01-16. Review status: criteria provided, single submitter. Criteria: Ambry Variant Classification Scheme 2023. Collection method: clinical testing. Allele origin: germline.

Labcorp Genetics (formerly Invitae), Labcorp
Classification: Uncertain significance. Last evaluated: 2024-11-19. Review status: criteria provided, single submitter. Criteria: Invitae Variant Classification Sherloc (09022015). Collection method: clinical testing. Allele origin: germline.
Comment: This sequence change replaces leucine, which is neutral and non-polar, with valine, which is neutral and non-polar, at codon 585 of the PROM1 protein (p.Leu585Val). This variant is present in population databases (no rsID available, gnomAD 0.0009%). This variant has not been reported in the literature in individuals affected with PROM1-related conditions. Invitae Evidence Modeling of protein sequence and biophysical properties (such as structural, functional, and spatial information, amino acid conservation, physicochemical variation, residue mobility, and thermodynamic stability) indicates that this missense variant is not expected to disrupt PROM1 protein function with a negative predictive value of 80%. In summary, the available evidence is currently insufficient to determine the role of this variant in disease. Therefore, it has been classified as a Variant of Uncertain Significance.

Blueprint Genetics
Classification: Uncertain significance. Last evaluated: 2023-07-31. Review status: criteria provided, single submitter. Criteria: ACMG Guidelines, 2015. Collection method: clinical testing. Allele origin: germline.